The following is an entry in ClinVar:

ClinVar aggregate classification (germline): Uncertain significance (1 of 4 stars; one submission).

Allele frequency attached by ClinVar (database versions not stated): gnomAD 0.00001; TOPMed 0.00002.
gnomAD v4.1: 5 of 1,614,010 alleles (0.00031%); highest among the groups gnomAD compares: African/African-American, 0.0053%; no homozygotes.

Submission:

Labcorp Genetics (formerly Invitae), Labcorp
Classification: Uncertain significance. Last evaluated: 2023-04-20. Review status: criteria provided, single submitter. Criteria: Invitae Variant Classification Sherloc (09022015). Collection method: clinical testing. Allele origin: germline.
Comment: This sequence change replaces lysine, which is basic and polar, with asparagine, which is neutral and polar, at codon 209 of the COL9A2 protein (p.Lys209Asn). This variant is present in population databases (no rsID available, gnomAD 0.007%). In summary, the available evidence is currently insufficient to determine the role of this variant in disease. Therefore, it has been classified as a Variant of Uncertain Significance. Advanced modeling of protein sequence and biophysical properties (such as structural, functional, and spatial information, amino acid conservation, physicochemical variation, residue mobility, and thermodynamic stability) performed at Invitae indicates that this missense variant is not expected to disrupt COL9A2 protein function. ClinVar contains an entry for this variant (Variation ID: 1958179). This variant has not been reported in the literature in individuals affected with COL9A2-related conditions.

NM_001852.4(COL9A2):c.627G>C (p.Lys209Asn)

Gene: COL9A2 (collagen type IX alpha 2 chain; minus strand). Cytogenetic location: 1p34.2.
Variant type: single nucleotide variant.
Coding change: c.627G>C on transcript NM_001852.4 (MANE Select); coding-DNA position 627, G replaced by C.
Protein change: p.Lys209Asn; replaces lysine 209 with asparagine.
Molecular consequence: missense variant.
Genome position (GRCh38, 1-based): chr1:40,311,096, C>G on the plus strand (G>C on the coding strand, the complement: COL9A2 is on the minus strand). VCF-style: chr1-40311096-C-G. GRCh37 (hg19) VCF-style: chr1-40776768-C-G.
Other names: short protein forms K209N.
Identifiers: ClinVar variation 1958179 (VCV001958179.5), dbSNP rs868723714, ClinGen allele CA21042009.